The following is an entry in ClinVar:

ClinVar aggregate classification (germline): Uncertain significance. Review status: criteria provided, multiple submitters, no conflicts (2 of 4 stars). 2 submissions from 2 submitters: Uncertain significance (2). Last evaluated 2025-09-10.

Conditions:
TRIOBP-related disorder. Also called: TRIOBP-related condition.
Inborn genetic diseases. Identifiers: MedGen C0950123, MeSH D030342.

Allele frequency attached by ClinVar (database versions not stated): gnomAD 0.00001; gnomAD exomes 0.00001; TOPMed 0.00003.
gnomAD v4.1: 14 of 1,547,318 alleles (0.0009%); highest among the groups gnomAD compares: South Asian, 0.0036%; no homozygotes.

Submissions (2):

PreventionGenetics, part of Exact Sciences
Classification: Uncertain significance for TRIOBP-related condition. Last evaluated: 2025-09-10. Review status: criteria provided, single submitter. Criteria: ACMG Guidelines, 2015. Collection method: clinical testing. Allele origin: germline.
Comment: The TRIOBP c.5873G>A variant is predicted to result in the amino acid substitution p.Arg1958Gln. To our knowledge, this variant has not been reported in the literature. This variant is reported in 0.0079% of alleles in individuals of East Asian descent in gnomAD. At this time, the clinical significance of this variant is uncertain due to the absence of conclusive functional and genetic evidence.

Ambry Genetics
Classification: Uncertain significance for Inborn genetic diseases. Last evaluated: 2022-02-11. Review status: criteria provided, single submitter. Criteria: Ambry Variant Classification Scheme 2023. Collection method: clinical testing. Allele origin: germline.

NM_001039141.3(TRIOBP):c.5873G>A (p.Arg1958Gln)

Gene: TRIOBP (TRIO and F-actin binding protein; plus strand). Cytogenetic location: 22q13.1.
Variant type: single nucleotide variant.
Coding change: c.5873G>A on transcript NM_001039141.3 (MANE Select); coding-DNA position 5873, G replaced by A.
Protein change: p.Arg1958Gln; replaces arginine 1958 with glutamine.
Molecular consequence: missense variant.
Genome position (GRCh38, 1-based): chr22:37,757,798, G>A. VCF-style: chr22-37757798-G-A. GRCh37 (hg19) VCF-style: chr22-38153805-G-A.
Other names: c.734G>A, p.Arg245Gln (NM_007032.5, NM_138632.2); short protein forms R245Q, R1958Q.
Identifiers: ClinVar variation 2277415 (VCV002277415.3), dbSNP rs1269802321, ClinGen allele CA411507088.